The following is an entry in ClinVar:

NM_001365536.1(SCN9A):c.3212T>G (p.Met1071Arg)

Genes: SCN1A-AS1 (SCN1A and SCN9A antisense RNA 1; plus strand), SCN9A (sodium voltage-gated channel alpha subunit 9; minus strand). Cytogenetic location: 2q24.3.
Variant type: single nucleotide variant.
Coding change: c.3212T>G on transcript NM_001365536.1 (MANE Select); coding-DNA position 3212, T replaced by G.
Protein change: p.Met1071Arg; replaces methionine 1071 with arginine.
Molecular consequence: missense variant.
Genome position (GRCh38, 1-based): chr2:166,272,538, A>C on the plus strand (T>G on the coding strand, the complement: SCN9A is on the minus strand). VCF-style: chr2-166272538-A-C. GRCh37 (hg19) VCF-style: chr2-167129048-A-C.
Other names: c.3179T>G, p.Met1060Arg (NM_002977.4); short protein forms M1060R, M1071R.
Identifiers: ClinVar variation 578377 (VCV000578377.9), dbSNP rs781223783, ClinGen allele CA349073136.

ClinVar aggregate classification (germline): Uncertain significance (1 of 4 stars; one submission).

Conditions:
Neuropathy, hereditary sensory and autonomic, type 2A (HSAN2A). Also called: HSAN IIA; ACROOSTEOLYSIS, GIACCAI TYPE; ACROOSTEOLYSIS, NEUROGENIC; WNK1-Related HSAN2 (HSAN2A); MORVAN DISEASE; NEUROPATHY, CONGENITAL SENSORY. Identifiers: Orphanet 970, MedGen C2752089, MONDO:0024309, OMIM 201300.
Generalized epilepsy with febrile seizures plus, type 7 (GEFSP7). Also called: GEFS+, TYPE 7. Identifiers: Orphanet 36387, MedGen C2751778, MONDO:0013470, OMIM 613863.

Submission:

Labcorp Genetics (formerly Invitae), Labcorp
Classification: Uncertain significance for Neuropathy, hereditary sensory and autonomic, type 2A; Generalized epilepsy with febrile seizures plus, type 7. Last evaluated: 2018-02-07. Review status: criteria provided, single submitter. Criteria: Invitae Variant Classification Sherloc (09022015). Collection method: clinical testing. Allele origin: germline.
Comment: Algorithms developed to predict the effect of missense changes on protein structure and function (SIFT, PolyPhen-2, Align-GVGD) all suggest that this variant is likely to be tolerated, but these predictions have not been confirmed by published functional studies and their clinical significance is uncertain. In summary, the available evidence is currently insufficient to determine the role of this variant in disease. Therefore, it has been classified as a Variant of Uncertain Significance. This variant has not been reported in the literature in individuals with SCN9A-related disease. This variant is not present in population databases (ExAC no frequency). This sequence change replaces methionine with arginine at codon 1060 of the SCN9A protein (p.Met1060Arg). The methionine residue is moderately conserved and there is a moderate physicochemical difference between methionine and arginine.